The following is an entry in ClinVar:

NM_001909.5(CTSD):c.1234C>T (p.Leu412Phe)

Gene: CTSD (cathepsin D; minus strand). Cytogenetic location: 11p15.5.
Variant type: single nucleotide variant.
Coding change: c.1234C>T on transcript NM_001909.5 (MANE Select); coding-DNA position 1234, C replaced by T.
Protein change: p.Leu412Phe; replaces leucine 412 with phenylalanine.
Molecular consequence: missense variant.
Genome position (GRCh38, 1-based): chr11:1,753,508, G>A on the plus strand (C>T on the coding strand, the complement: CTSD is on the minus strand). VCF-style: chr11-1753508-G-A. GRCh37 (hg19) VCF-style: chr11-1774738-G-A.
Other names: short protein forms L412F.
Identifiers: ClinVar variation 1923607 (VCV001923607.5), dbSNP rs1412753935, ClinGen allele CA379092312.
Genomic context (GRCh38, chr11:1,753,508, plus strand): 5'-CTCCTGCTCTGGGACTCTCCTCTGTTTCTGTGCTGGCGCGCGGACGCCTTGGGAACTAGA[G>A]GCGGGCAGCCTCGGCGAAGCCCACCCTGTTGTTGTCACGGTCAAACACAGTGTAGTAGCG-3'
Protein context (NP_001900.1, residues 402-412): NRVGFAEAAR[Leu412Phe]

ClinVar aggregate classification (germline): Uncertain significance (1 of 4 stars; one submission).

Conditions:
Neuronal ceroid lipofuscinosis. Also called: Neuronal Ceroid Lipofuscinoses. Identifiers: Orphanet 216, Orphanet 79263, MedGen C0027877, MONDO:0016295. Disease mechanism: loss of function.

Allele frequency attached by ClinVar (database versions not stated): TOPMed 0.00001.
gnomAD v4.1: 1 of 1,612,970 alleles (0.000062%); no homozygotes.

Submission:

Labcorp Genetics (formerly Invitae), Labcorp
Classification: Uncertain significance for Neuronal ceroid lipofuscinosis. Last evaluated: 2022-07-26. Review status: criteria provided, single submitter. Criteria: Invitae Variant Classification Sherloc (09022015). Collection method: clinical testing. Allele origin: germline.
Comment: In summary, the available evidence is currently insufficient to determine the role of this variant in disease. Therefore, it has been classified as a Variant of Uncertain Significance. Algorithms developed to predict the effect of missense changes on protein structure and function are either unavailable or do not agree on the potential impact of this missense change (SIFT: "Tolerated"; PolyPhen-2: "Possibly Damaging"; Align-GVGD: "Class C0"). This variant has not been reported in the literature in individuals affected with CTSD-related conditions. This variant is not present in population databases (gnomAD no frequency). This sequence change replaces leucine, which is neutral and non-polar, with phenylalanine, which is neutral and non-polar, at codon 412 of the CTSD protein (p.Leu412Phe).